The following is an entry in ClinVar:

ClinVar aggregate classification (germline): Uncertain significance (1 of 4 stars; one submission).

Conditions:
Hereditary spastic paraplegia 39 (SPG39). Also called: SPASTIC PARAPLEGIA 39, AUTOSOMAL RECESSIVE; Spastic Paraplegia Type 39 (SPG39). Identifiers: Orphanet 139480, MedGen C2677586, MONDO:0012787, OMIM 612020.

Allele frequency attached by ClinVar (database versions not stated): gnomAD 0.00001; ESP Exome Variant Server 0.00008.

Submission:

Labcorp Genetics (formerly Invitae), Labcorp
Classification: Uncertain significance for Hereditary spastic paraplegia 39. Last evaluated: 2021-08-28. Review status: criteria provided, single submitter. Criteria: Invitae Variant Classification Sherloc (09022015). Collection method: clinical testing. Allele origin: germline.
Comment: In summary, the available evidence is currently insufficient to determine the role of this variant in disease. Therefore, it has been classified as a Variant of Uncertain Significance. Algorithms developed to predict the effect of missense changes on protein structure and function (SIFT, PolyPhen-2, Align-GVGD) all suggest that this variant is likely to be tolerated. This variant has not been reported in the literature in individuals affected with PNPLA6-related conditions. This variant is present in population databases (rs368449963, ExAC 0.006%). This sequence change replaces arginine with glutamine at codon 1024 of the PNPLA6 protein (p.Arg1024Gln). The arginine residue is moderately conserved and there is a small physicochemical difference between arginine and glutamine.

NM_001166114.2(PNPLA6):c.3185G>A (p.Arg1062Gln)

Gene: PNPLA6 (patatin like domain 6, lysophospholipase; plus strand). Cytogenetic location: 19p13.2.
Variant type: single nucleotide variant.
Coding change: c.3185G>A on transcript NM_001166114.2 (MANE Select); coding-DNA position 3185, G replaced by A.
Protein change: p.Arg1062Gln; replaces arginine 1062 with glutamine.
Molecular consequence: missense variant.
Genome position (GRCh38, 1-based): chr19:7,556,544, G>A. VCF-style: chr19-7556544-G-A. GRCh37 (hg19) VCF-style: chr19-7621430-G-A.
Other names: c.3215G>A, p.Arg1072Gln (NM_001166111.2); c.2990G>A, p.Arg997Gln (NM_001166112.2); c.3071G>A, p.Arg1024Gln (NM_001166113.1, NM_006702.5); short protein forms R1072Q, R1024Q, R1062Q, R997Q.
Identifiers: ClinVar variation 1377862 (VCV001377862.6), dbSNP rs368449963, ClinGen allele CA9140356.
Genomic context (GRCh38, chr19:7,556,544, plus strand): 5'-ACCTCACGTACCCAGTCACCTCCATGTTCACTGGGTCTGCCTTTAACCGCAGCATCCATC[G>A]GGTCTTCCAGGATAAGCAGATTGAGGTAGGCCCACCTCATCCCCTGCCCTGCCTACCCCT-3'
Protein context (NP_001159586.1, residues 1052-1072): TGSAFNRSIH[Arg1062Gln]VFQDKQIEDL